The following is an entry in ClinVar:

NM_004370.6(COL12A1):c.8501C>G (p.Pro2834Arg)

Gene: COL12A1 (collagen type XII alpha 1 chain; minus strand). Cytogenetic location: 6q13.
Variant type: single nucleotide variant.
Coding change: c.8501C>G on transcript NM_004370.6 (MANE Select); coding-DNA position 8501, C replaced by G.
Protein change: p.Pro2834Arg; replaces proline 2834 with arginine.
Molecular consequence: missense variant.
Genome position (GRCh38, 1-based): chr6:75,101,622, G>C on the plus strand (C>G on the coding strand, the complement: COL12A1 is on the minus strand). VCF-style: chr6-75101622-G-C. GRCh37 (hg19) VCF-style: chr6-75811338-G-C.
Other names: c.5009C>G, p.Pro1670Arg (NM_080645.3); short protein forms P2834R, P1670R.
Identifiers: ClinVar variation 583345 (VCV000583345.15), dbSNP rs199693016, ClinGen allele CA3892240.

ClinVar aggregate classification (germline): Uncertain significance. Review status: criteria provided, multiple submitters, no conflicts (2 of 4 stars). 5 submissions from 5 submitters: Uncertain significance (5). Last evaluated 2026-03-23.

Conditions:
Ullrich congenital muscular dystrophy 2 (UCMD2). Identifiers: Orphanet 75840, MedGen C4225314, MONDO:0014654, OMIM 616470.
Bethlem myopathy 2 (BTHLM2). Identifiers: Orphanet 536516, Orphanet 610, MedGen C4225313, MONDO:0034022, OMIM 616471.

Allele frequency attached by ClinVar (database versions not stated): gnomAD 0.00002; gnomAD exomes 0.00004 and 0.00006; ESP Exome Variant Server 0.00008; TOPMed 0.00008.
gnomAD v4.1: 103 of 1,613,732 alleles (0.0064%); highest among the groups gnomAD compares: Middle Eastern, 0.066%; no homozygotes.

Submissions (5):

Women's Health and Genetics/Laboratory Corporation of America, LabCorp
Classification: Uncertain significance. Last evaluated: 2026-03-23. Review status: criteria provided, single submitter. Criteria: LabCorp Variant Classification Summary - May 2015. Collection method: clinical testing. Allele origin: germline.
Comment: Variant summary: COL12A1 c.8501C>G (p.Pro2834Arg) results in a non-conservative amino acid change in the encoded protein sequence. Algorithms developed to predict the effect of missense changes on protein structure and function all suggest that this variant is likely to be disruptive. The variant allele was found at a frequency of 4.4e-05 in 249184 control chromosomes. This frequency is not significantly higher than estimated for disease-causing variants in COL12A1, allowing no conclusion about variant significance. c.8501C>G has been observed in individuals affected with clinical features of COL12A1-related disorders, including an individual suspected of a heritable connective tissue disorder (Steinle_2022, internal data). These data do not allow any conclusion about variant significance. To our knowledge, no experimental evidence demonstrating an impact on protein function has been reported. The following publications have been ascertained in the context of this evaluation (PMID: 35903967, 35918752). ClinVar contains an entry for this variant (Variation ID: 583345). Based on the evidence outlined above, the variant was classified as uncertain significance.

Labcorp Genetics (formerly Invitae), Labcorp
Classification: Uncertain significance for Bethlem myopathy 2; Ullrich congenital muscular dystrophy 2. Last evaluated: 2026-01-06. Review status: criteria provided, single submitter. Criteria: Invitae Variant Classification Sherloc (09022015). Collection method: clinical testing. Allele origin: germline.
Comment: This sequence change replaces proline, which is neutral and non-polar, with arginine, which is basic and polar, at codon 2834 of the COL12A1 protein (p.Pro2834Arg). This variant is present in population databases (rs199693016, gnomAD 0.009%). This missense change has been observed in individual(s) with clinical features of COL12A1-related conditions (PMID: 35903967; internal data). ClinVar contains an entry for this variant (Variation ID: 583345). An algorithm developed to predict the effect of missense changes on protein structure and function (PolyPhen-2) suggests that this variant is likely to be disruptive. In summary, the available evidence is currently insufficient to determine the role of this variant in disease. Therefore, it has been classified as a Variant of Uncertain Significance.

Revvity Omics, Revvity
Classification: Uncertain significance. Last evaluated: 2025-05-09. Review status: criteria provided, single submitter. Criteria: ACMG Guidelines, 2015. Collection method: clinical testing. Allele origin: germline.

GeneDx
Classification: Uncertain significance. Last evaluated: 2024-07-17. Review status: criteria provided, single submitter. Criteria: GeneDx Variant Classification Process June 2021. Collection method: clinical testing. Allele origin: germline. Affected: yes.
Comment: Has been reported in a patient with symptoms of a connective tissue disorder (PMID: 35903967); In silico analysis indicates that this missense variant does not alter protein structure/function; This variant is associated with the following publications: (PMID: 35903967)

Fulgent Genetics
Classification: Uncertain significance for Ullrich congenital muscular dystrophy 2; Bethlem myopathy 2. Last evaluated: 2018-10-31. Review status: criteria provided, single submitter. Criteria: ACMG Guidelines, 2015. Collection method: clinical testing. Allele origin: unknown.

Literature cited by the submitters: PubMed 35918752 (cited by Women's Health and Genetics/Laboratory Corporation of America, LabCorp); PubMed 35903967 (cited by Women's Health and Genetics/Laboratory Corporation of America, LabCorp and Labcorp Genetics (formerly Invitae), Labcorp).